The following is an entry in ClinVar:

ClinVar aggregate classification (germline): Uncertain significance (1 of 4 stars; one submission).

Conditions:
SIM1-related disorder. Also called: SIM1-related disorders; SIM1-related condition.

gnomAD v4.1: 18 of 1,614,174 alleles (0.0011%); highest among the groups gnomAD compares: East Asian, 0.013%; no homozygotes.

Submission:

PreventionGenetics, part of Exact Sciences
Classification: Uncertain significance for SIM1-related condition. Last evaluated: 2025-03-19. Review status: criteria provided, single submitter. Criteria: ACMG Guidelines, 2015. Collection method: clinical testing. Allele origin: germline.
Comment: The SIM1 c.2204A>G variant is predicted to result in the amino acid substitution p.Asn735Ser. To our knowledge, this variant has not been reported in the literature. This variant is reported in 0.022% of alleles in individuals of East Asian descent in gnomAD. At this time, the clinical significance of this variant is uncertain due to the absence of conclusive functional and genetic evidence.

NM_005068.3(SIM1):c.2204A>G (p.Asn735Ser)

Gene: SIM1 (SIM bHLH transcription factor 1; minus strand). Cytogenetic location: 6q16.3.
Variant type: single nucleotide variant.
Coding change: c.2204A>G on transcript NM_005068.3 (MANE Select); coding-DNA position 2204, A replaced by G.
Protein change: p.Asn735Ser; replaces asparagine 735 with serine.
Molecular consequence: missense variant.
Genome position (GRCh38, 1-based): chr6:100,390,458, T>C on the plus strand (A>G on the coding strand, the complement: SIM1 is on the minus strand). VCF-style: chr6-100390458-T-C. GRCh37 (hg19) VCF-style: chr6-100838334-T-C.
Other names: c.2204A>G, p.Asn735Ser (NM_001374769.1); short protein forms N735S.
Identifiers: ClinVar variation 4982655 (VCV004982655.1).